The following is an entry in ClinVar:

NM_001130987.2(DYSF):c.5458-11T>G

Gene: DYSF (dysferlin; plus strand). Cytogenetic location: 2p13.2.
Variant type: single nucleotide variant.
Coding change: c.5458-11T>G on transcript NM_001130987.2 (MANE Select); 11 bases into the intron before coding-DNA position 5458, T replaced by G.
Molecular consequence: intron variant.
Genome position (GRCh38, 1-based): chr2:71,668,743, T>G. VCF-style: chr2-71668743-T-G. GRCh37 (hg19) VCF-style: chr2-71895873-T-G.
Other names: c.5437-11T>G (NM_001130982.2); c.5395-11T>G (NM_001130985.2); c.5407-11T>G (NM_001130983.2); c.5344-11T>G (NM_001130455.2); c.5365-11T>G (NM_001130984.2); c.5302-11T>G (NM_001130986.2); c.5434-11T>G (NM_001130979.2); c.5455-11T>G (NM_001130981.2); and 5 more.
Identifiers: ClinVar variation 1928887 (VCV001928887.2), dbSNP rs746351463, ClinGen allele CA1707393.
Genomic context (GRCh38, chr2:71,668,743, plus strand): 5'-CCCAGAGCAGGTGCTTGGTAACAGCTGGTTAAATGAGAAGGGTGGGGAGAGAACGGACCC[T>G]GTCTCCGCAGGGGAAGCTGCAGATGTGGGTCGACCTATTTCCGAAGGCCCTGGGGCGGCC-3'

ClinVar aggregate classification (germline): Uncertain significance (1 of 4 stars; one submission).

Conditions:
Neuromuscular disease caused by qualitative or quantitative defects of dysferlin. Also called: Qualitative or quantitative defects of dysferlin; Dysferlinopathy. Identifiers: Orphanet 207073, MedGen C2931687, MONDO:0016145.

Allele frequency attached by ClinVar (database versions not stated): ExAC 0.00002.
gnomAD v4.1: 6 of 1,612,836 alleles (0.00037%); highest among the groups gnomAD compares: South Asian, 0.0066%; no homozygotes.

Submission:

Labcorp Genetics (formerly Invitae), Labcorp
Classification: Uncertain significance for Neuromuscular disease caused by qualitative or quantitative defects of dysferlin. Last evaluated: 2022-04-20. Review status: criteria provided, single submitter. Criteria: Invitae Variant Classification Sherloc (09022015). Collection method: clinical testing. Allele origin: germline.
Comment: This sequence change falls in intron 47 of the DYSF gene. It does not directly change the encoded amino acid sequence of the DYSF protein. This variant is present in population databases (rs746351463, gnomAD 0.007%). This variant has not been reported in the literature in individuals affected with DYSF-related conditions. Algorithms developed to predict the effect of sequence changes on RNA splicing suggest that this variant may disrupt the consensus splice site. In summary, the available evidence is currently insufficient to determine the role of this variant in disease. Therefore, it has been classified as a Variant of Uncertain Significance.